The following is an entry in ClinVar:

NM_002458.3(MUC5B):c.12243C>A (p.Ser4081=)

Genes: MUC5B (mucin 5B, oligomeric mucus/gel-forming; plus strand), MUC5B-AS1 (MUC5B antisense RNA 1; minus strand). Cytogenetic location: 11p15.5.
Variant type: single nucleotide variant.
Coding change: c.12243C>A on transcript NM_002458.3 (MANE Select); coding-DNA position 12243, C replaced by A.
Protein change: p.Ser4081=; no amino-acid change (serine 4081 retained).
Molecular consequence: synonymous variant.
Genome position (GRCh38, 1-based): chr11:1,249,123, C>A. VCF-style: chr11-1249123-C-A. GRCh37 (hg19) VCF-style: chr11-1270353-C-A.
Identifiers: ClinVar variation 1049485 (VCV001049485.1), dbSNP rs771872461, ClinGen allele CA472454216.

ClinVar aggregate classification (germline): Uncertain significance (0 of 4 stars; one submission).

Submission:

Department of Pathology and Laboratory Medicine, Sinai Health System
Classification: Uncertain significance. Review status: no assertion criteria provided. Collection method: clinical testing. Allele origin: unknown. Affected: yes. Study: The Canadian Open Genetics Repository (COGR).
Comment: The MUC5B p.Ser4081Ser variant was not identified in the literature nor was it identified in the dbSNP, ClinVar, Cosmic, MutDB and LOVD 3.0 databases. The variant was not identified in the following control databases: the 1000 Genomes Project, the NHLBI GO Exome Sequencing Project, the Exome Aggregation Consortium (August 8th 2016), or the Genome Aggregation Database (Feb 27, 2017). The c.12243C>A variant occurs outside the splicing consensus sequence however 3 of 5 in silico or computational prediction software programs (MaxEntScan, NNSplice and GeneSplicer) predict a greater than 10% difference in splicing; this is not very predictive of pathogenicity.The p.Ser4081Ser variant is not expected to have clinical significance because it does not result in a change of amino acid and is not located in a known consensus splice site. However, this information is not predictive enough to rule out pathogenicity. In summary, based on the above information the clinical significance of this variant cannot be determined with certainty at this time. This variant is classified as a variant of uncertain significance.